The following is an entry in ClinVar:

ClinVar aggregate classification (germline): Uncertain significance. Review status: criteria provided, multiple submitters, no conflicts (2 of 4 stars). 3 submissions from 3 submitters: Uncertain significance (3). Last evaluated 2026-03-12.

Conditions:
Hereditary cancer-predisposing syndrome. Also called: Tumor predisposition; Hereditary neoplastic syndrome; Hereditary Cancer Syndrome; Neoplastic Syndromes, Hereditary. Identifiers: Orphanet 140162, MedGen C0027672, MeSH D009386, MONDO:0015356.

Allele frequency attached by ClinVar (database versions not stated): gnomAD exomes below 0.00001; ExAC 0.00001; gnomAD 0.00001.
gnomAD v4.1: 8 of 1,613,922 alleles (0.0005%); highest among the groups gnomAD compares: South Asian, 0.0022%; no homozygotes.

Submissions (3):

Ambry Genetics
Classification: Uncertain significance for Hereditary cancer-predisposing syndrome. Last evaluated: 2026-03-12. Review status: criteria provided, single submitter. Criteria: Ambry Variant Classification Scheme 2023. Collection method: clinical testing. Allele origin: germline.
Comment: The p.P102L variant (also known as c.305C>T), located in coding exon 4 of the POLE gene, results from a C to T substitution at nucleotide position 305. The proline at codon 102 is replaced by leucine, an amino acid with similar properties. This amino acid position is highly conserved in available vertebrate species. In addition, the in silico prediction for this alteration is inconclusive. Based on the available evidence, the clinical significance of this variant remains unclear.

Labcorp Genetics (formerly Invitae), Labcorp
Classification: Uncertain significance. Last evaluated: 2025-09-03. Review status: criteria provided, single submitter. Criteria: Invitae Variant Classification Sherloc (09022015). Collection method: clinical testing. Allele origin: germline.
Comment: This sequence change replaces proline, which is neutral and non-polar, with leucine, which is neutral and non-polar, at codon 102 of the POLE protein (p.Pro102Leu). This variant is present in population databases (rs770323795, gnomAD 0.0009%). This variant has not been reported in the literature in individuals affected with POLE-related conditions. ClinVar contains an entry for this variant (Variation ID: 936693). Invitae Evidence Modeling of protein sequence and biophysical properties (such as structural, functional, and spatial information, amino acid conservation, physicochemical variation, residue mobility, and thermodynamic stability) indicates that this missense variant is expected to disrupt POLE protein function with a positive predictive value of 80%. Algorithms developed to predict the effect of sequence changes on RNA splicing suggest that this variant may disrupt the consensus splice site. In summary, the available evidence is currently insufficient to determine the role of this variant in disease. Therefore, it has been classified as a Variant of Uncertain Significance.

GeneDx
Classification: Uncertain significance. Last evaluated: 2022-01-09. Review status: criteria provided, single submitter. Criteria: GeneDx Variant Classification Process June 2021. Collection method: clinical testing. Allele origin: germline. Affected: yes.
Comment: Not observed at significant frequency in large population cohorts (gnomAD); In silico analysis supports that this missense variant has a deleterious effect on protein structure/function; Has not been previously published as pathogenic or benign to our knowledge

NM_006231.4(POLE):c.305C>T (p.Pro102Leu)

Gene: POLE (DNA polymerase epsilon, catalytic subunit; minus strand). Cytogenetic location: 12q24.33.
Variant type: single nucleotide variant.
Coding change: c.305C>T on transcript NM_006231.4 (MANE Select); coding-DNA position 305, C replaced by T.
Protein change: p.Pro102Leu; replaces proline 102 with leucine.
Molecular consequence: missense variant.
Genome position (GRCh38, 1-based): chr12:132,680,203, G>A on the plus strand (C>T on the coding strand, the complement: POLE is on the minus strand). VCF-style: chr12-132680203-G-A. GRCh37 (hg19) VCF-style: chr12-133256789-G-A.
Other names: short protein forms P102L.
Identifiers: ClinVar variation 936693 (VCV000936693.12), dbSNP rs770323795, ClinGen allele CA6894367.